The following is an entry in ClinVar:

NM_019042.5(PUS7):c.1696C>T (p.Arg566Ter)

Gene: PUS7 (pseudouridine synthase 7; minus strand). Cytogenetic location: 7q22.3.
Variant type: single nucleotide variant.
Coding change: c.1696C>T on transcript NM_019042.5 (MANE Select); coding-DNA position 1696, C replaced by T.
Protein change: p.Arg566Ter; replaces arginine 566 with a stop codon.
Molecular consequence: nonsense.
Genome position (GRCh38, 1-based): chr7:105,462,682, G>A on the plus strand (C>T on the coding strand, the complement: PUS7 is on the minus strand). VCF-style: chr7-105462682-G-A. GRCh37 (hg19) VCF-style: chr7-105103129-G-A.
Other names: c.1714C>T, p.Arg572Ter (NM_001318163.1); c.1696C>T, p.Arg566Ter (NM_001318164.2); short protein forms R572*, R566*.
Identifiers: ClinVar variation 5007126 (VCV005007126.2).

ClinVar aggregate classification (germline): Likely pathogenic (1 of 4 stars; one submission).

Conditions:
Intellectual developmental disorder with abnormal behavior, microcephaly, and short stature. Identifiers: MedGen C5193039, MONDO:0032687, OMIM 618342.

gnomAD v4.1: 6 of 1,613,682 alleles (0.00037%); highest among the groups gnomAD compares: South Asian, 0.0022%; no homozygotes.

Submission:

Juno Genomics, Hangzhou Juno Genomics, Inc
Classification: Likely pathogenic for Intellectual developmental disorder with abnormal behavior, microcephaly, and short stature. Review status: criteria provided, single submitter. Criteria: ACMG Guidelines, 2015. Collection method: clinical testing. Allele origin: germline.
Comment: Null variant in a gene where loss of function (LOF) is a known mechanism of disease.;Absent from controls (or at extremely low frequency if recessive) in Genome Aggregation Database.